The following is an entry in ClinVar:

ClinVar aggregate classification (germline): Uncertain significance (1 of 4 stars; one submission).

Conditions:
Hereditary cancer-predisposing syndrome. Also called: Neoplastic Syndromes, Hereditary; Tumor predisposition; Hereditary Cancer Syndrome; Hereditary neoplastic syndrome. Identifiers: Orphanet 140162, MedGen C0027672, MeSH D009386, MONDO:0015356.

Submission:

Ambry Genetics
Classification: Uncertain significance for Hereditary cancer-predisposing syndrome. Last evaluated: 2016-06-23. Review status: criteria provided, single submitter. Criteria: Ambry Variant Classification Scheme 2023. Collection method: clinical testing. Allele origin: germline.
Comment: The p.S235C variant (also known as c.704C>G), located in coding exon 4 of the BARD1 gene, results from a C to G substitution at nucleotide position 704. The serine at codon 235 is replaced by cysteine, an amino acid with dissimilar properties. This variant was not reported in population based cohorts in the following databases: Database of Single Nucleotide Polymorphisms (dbSNP), NHLBI Exome Sequencing Project (ESP), and 1000 Genomes Project. In the ESP, this variant was not observed in 6502 samples (13004 alleles) with coverage at this position. To date, this alteration has been detected with an allele frequency of approximately 0.001% (greater than 175000 alleles tested) in our clinical cohort. This amino acid position is poorly conserved in available vertebrate species. In addition, this alteration is predicted to be tolerated by in silico analysis. Since supporting evidence is limited at this time, the clinical significance of this alteration remains unclear.

NM_000465.4(BARD1):c.704C>G (p.Ser235Cys)

Gene: BARD1 (BRCA1 associated RING domain 1; minus strand). Cytogenetic location: 2q35.
Variant type: single nucleotide variant.
Coding change: c.704C>G on transcript NM_000465.4 (MANE Select); coding-DNA position 704, C replaced by G.
Protein change: p.Ser235Cys; replaces serine 235 with cysteine.
Molecular consequence: missense variant. On other transcripts: non-coding transcript variant (2), intron variant (3).
Genome position (GRCh38, 1-based): chr2:214,781,170, G>C on the plus strand (C>G on the coding strand, the complement: BARD1 is on the minus strand). VCF-style: chr2-214781170-G-C. GRCh37 (hg19) VCF-style: chr2-215645894-G-C.
Other names: c.647C>G, p.Ser216Cys (NM_001282543.2); c.158+28242C>G (NM_001282548.2); c.215+15891C>G (NM_001282545.2); c.364+11127C>G (NM_001282549.2); short protein forms S235C, S216C.
Identifiers: ClinVar variation 485311 (VCV000485311.5), dbSNP rs1553622502, ClinGen allele CA350456329.
Genomic context (GRCh38, chr2:214,781,170, plus strand): 5'-TTTATCTGAGGACTGGAGATAACAGATGGTTGGCTACAGAAGGATACCAGCTTTTGCTTA[G>C]ATTCCTCTTTGGAGTCAAATTCACCATCTTCTTTTTCTGCCTCTAAATTCCATTTTTGGT-3'
Protein context (NP_000456.2, residues 225-245): EDGEFDSKEE[Ser235Cys]KQKLVSFCSQ